The following is an entry in ClinVar:

NM_017934.7(PHIP):c.1075T>C (p.Ser359Pro)

Gene: PHIP (PHIP subunit of CUL4-Ring ligase complex; minus strand). Cytogenetic location: 6q14.1.
Variant type: single nucleotide variant.
Coding change: c.1075T>C on transcript NM_017934.7 (MANE Select); coding-DNA position 1075, T replaced by C.
Protein change: p.Ser359Pro; replaces serine 359 with proline.
Molecular consequence: missense variant.
Genome position (GRCh38, 1-based): chr6:79,017,503, A>G on the plus strand (T>C on the coding strand, the complement: PHIP is on the minus strand). VCF-style: chr6-79017503-A-G. GRCh37 (hg19) VCF-style: chr6-79727220-A-G.
Other names: short protein forms S359P.
Identifiers: ClinVar variation 3678855 (VCV003678855.2).

ClinVar aggregate classification (germline): Uncertain significance (1 of 4 stars; one submission).

Submission:

Labcorp Genetics (formerly Invitae), Labcorp
Classification: Uncertain significance. Last evaluated: 2024-03-15. Review status: criteria provided, single submitter. Criteria: Invitae Variant Classification Sherloc (09022015). Collection method: clinical testing. Allele origin: germline.
Comment: This sequence change replaces serine, which is neutral and polar, with proline, which is neutral and non-polar, at codon 359 of the PHIP protein (p.Ser359Pro). This variant is not present in population databases (gnomAD no frequency). This variant has not been reported in the literature in individuals affected with PHIP-related conditions. Advanced modeling of protein sequence and biophysical properties (such as structural, functional, and spatial information, amino acid conservation, physicochemical variation, residue mobility, and thermodynamic stability) has been performed at Invitae for this missense variant, however the output from this modeling did not meet the statistical confidence thresholds required to predict the impact of this variant on PHIP protein function. In summary, the available evidence is currently insufficient to determine the role of this variant in disease. Therefore, it has been classified as a Variant of Uncertain Significance.